The following is an entry in ClinVar:

NM_006946.4(SPTBN2):c.5696G>A (p.Arg1899His)

Gene: SPTBN2 (spectrin beta, non-erythrocytic 2; minus strand). Cytogenetic location: 11q13.2.
Variant type: single nucleotide variant.
Coding change: c.5696G>A on transcript NM_006946.4 (MANE Select); coding-DNA position 5696, G replaced by A.
Protein change: p.Arg1899His; replaces arginine 1899 with histidine.
Molecular consequence: missense variant.
Genome position (GRCh38, 1-based): chr11:66,690,153, C>T on the plus strand (G>A on the coding strand, the complement: SPTBN2 is on the minus strand). VCF-style: chr11-66690153-C-T. GRCh37 (hg19) VCF-style: chr11-66457624-C-T.
Other names: c.5696G>A (NM_006946.2); short protein forms R1899H.
Identifiers: ClinVar variation 1589623 (VCV001589623.12), dbSNP rs201017398, ClinGen allele CA6128179.

ClinVar aggregate classification (germline): Conflicting classifications of pathogenicity. Review status: criteria provided, conflicting classifications (1 of 4 stars). 3 submissions from 3 submitters: Uncertain significance (2); Likely benign (1). Last evaluated 2024-08-22.

Conditions:
Inborn genetic diseases. Identifiers: MedGen C0950123, MeSH D030342.

Allele frequency attached by ClinVar (database versions not stated): gnomAD 0.00003 and 0.00004; TOPMed 0.00005; gnomAD exomes 0.00006; ExAC 0.00008.
gnomAD v4.1: 108 of 1,614,042 alleles (0.0067%); highest among the groups gnomAD compares: Non-Finnish European, 0.0075%; no homozygotes.

Submissions (3):

Women's Health and Genetics/Laboratory Corporation of America, LabCorp
Classification: Uncertain significance. Last evaluated: 2024-08-22. Review status: criteria provided, single submitter. Criteria: LabCorp Variant Classification Summary - May 2015. Collection method: clinical testing. Allele origin: germline.
Comment: Variant summary: SPTBN2 c.5696G>A (p.Arg1899His) results in a non-conservative amino acid change in the encoded protein sequence. Five of five in-silico tools predict a damaging effect of the variant on protein function. The variant allele was found at a frequency of 5.6e-05 in 250344 control chromosomes, predominantly at a frequency of 9.8e-05 within the Non-Finnish European subpopulation in the gnomAD database. This frequency is not significantly higher than estimated for a pathogenic variant in SPTBN2 causing Spinocerebellar Ataxia 5, allowing no conclusion about variant significance. To our knowledge, no occurrence of c.5696G>A in individuals affected with Spinocerebellar Ataxia 5 and no experimental evidence demonstrating its impact on protein function have been reported. ClinVar contains an entry for this variant (Variation ID: 1589623). Based on the evidence outlined above, the variant was classified as uncertain significance.

Labcorp Genetics (formerly Invitae), Labcorp
Classification: Likely benign. Last evaluated: 2022-02-05. Review status: criteria provided, single submitter. Criteria: Invitae Variant Classification Sherloc (09022015). Collection method: clinical testing. Allele origin: germline.

Ambry Genetics
Classification: Uncertain significance for Inborn genetic diseases. Last evaluated: 2021-06-18. Review status: criteria provided, single submitter. Criteria: Ambry Variant Classification Scheme 2023. Collection method: clinical testing. Allele origin: germline.